The following is an entry in ClinVar:

NM_001375524.1(TRRAP):c.6194T>C (p.Val2065Ala)

Gene: TRRAP (transformation/transcription domain associated protein; plus strand). Cytogenetic location: 7q22.1.
Variant type: single nucleotide variant.
Coding change: c.6194T>C on transcript NM_001375524.1 (MANE Select); coding-DNA position 6194, T replaced by C.
Protein change: p.Val2065Ala; replaces valine 2065 with alanine.
Molecular consequence: missense variant.
Genome position (GRCh38, 1-based): chr7:98,956,496, T>C. VCF-style: chr7-98956496-T-C. GRCh37 (hg19) VCF-style: chr7-98554119-T-C.
Other names: c.6173T>C, p.Val2058Ala (NM_001244580.2); c.6119T>C, p.Val2040Ala (NM_003496.4); short protein forms V2058A, V2065A, V2040A.
Identifiers: ClinVar variation 3462374 (VCV003462374.3).

ClinVar aggregate classification (germline): Uncertain significance. Review status: criteria provided, multiple submitters, no conflicts (2 of 4 stars). 2 submissions from 2 submitters: Uncertain significance (2). Last evaluated 2025-11-15.

Conditions:
Inborn genetic diseases. Identifiers: MedGen C0950123, MeSH D030342.

gnomAD v4.1: 5 of 1,614,172 alleles (0.00031%); highest among the groups gnomAD compares: Admixed American, 0.0033%; 1 homozygote.

Submissions (2):

Labcorp Genetics (formerly Invitae), Labcorp
Classification: Uncertain significance. Last evaluated: 2025-11-15. Review status: criteria provided, single submitter. Criteria: Invitae Variant Classification Sherloc (09022015). Collection method: clinical testing. Allele origin: germline.
Comment: This sequence change replaces valine, which is neutral and non-polar, with alanine, which is neutral and non-polar, at codon 2040 of the TRRAP protein (p.Val2040Ala). This variant is present in population databases (no rsID available, gnomAD 0.01%), including at least one homozygous and/or hemizygous individual. This variant has not been reported in the literature in individuals affected with TRRAP-related conditions. ClinVar contains an entry for this variant (Variation ID: 3462374). Invitae Evidence Modeling of protein sequence and biophysical properties (such as structural, functional, and spatial information, amino acid conservation, physicochemical variation, residue mobility, and thermodynamic stability) indicates that this missense variant is not expected to disrupt TRRAP protein function with a negative predictive value of 80%. In summary, the available evidence is currently insufficient to determine the role of this variant in disease. Therefore, it has been classified as a Variant of Uncertain Significance.

Ambry Genetics
Classification: Uncertain significance for Inborn genetic diseases. Last evaluated: 2024-10-11. Review status: criteria provided, single submitter. Criteria: Ambry Variant Classification Scheme 2023. Collection method: clinical testing. Allele origin: germline.